The following is an entry in ClinVar:

ClinVar aggregate classification (germline): Likely pathogenic (1 of 4 stars; one submission).

Conditions:
Congenital adrenal hypoplasia, X-linked (AHC). Also called: Isolated X-Linked Adrenal Hypoplasia Congenita; X-linked AHC; X-Linked Adrenal Hypoplasia Congenita; ADRENAL HYPOPLASIA, CONGENITAL, WITH HYPOGONADOTROPIC HYPOGONADISM. Identifiers: Orphanet 95702, MedGen C0342482, MONDO:0010264, OMIM 300200. Disease mechanism: loss of function.

Submission:

3billion
Classification: Likely pathogenic for Congenital adrenal hypoplasia, X-linked. Last evaluated: 2022-03-22. Review status: criteria provided, single submitter. Criteria: ACMG Guidelines, 2015. Collection method: clinical testing. Allele origin: germline. Affected: yes. Observed: 1 hemizygote.
Comment: Frameshift: predicted to result in a loss or disruption of normal protein function through nonsense-mediated decay (NMD) or protein truncation. Multiple pathogenic variants are reported downstream of the variant.It is not observed in the gnomAD v2.1.1 dataset. Therefore, this variant is classified as likely pathogenic according to the recommendation of ACMG/AMP guideline.

NM_000475.5(NR0B1):c.510_522dup (p.Ser175fs)

Gene: NR0B1 (nuclear receptor subfamily 0 group B member 1; minus strand). Cytogenetic location: Xp21.2.
Variant type: Duplication.
Coding change: c.510_522dup on transcript NM_000475.5 (MANE Select); coding-DNA positions 510 to 522, 13 bases duplicated (GTGGTGGGACCGC).
Protein change: p.Ser175fs; shifts the reading frame from serine 175.
Molecular consequence: frameshift variant.
Genome position (GRCh38, 1-based): chrX:30,308,842-30,308,854, GCGGTCCCACCAC duplicated on the plus strand (GTGGTGGGACCGC on the coding strand, the reverse complement: NR0B1 is on the minus strand); duplicating any 13 consecutive bases within chrX:30,308,842-30,308,857 gives the same sequence; the c. name uses the placement nearest the transcript's 3' end. VCF-style (leftmost placement, unchanged base first): chrX-30308841-A-AGCGGTCCCACCAC. GRCh37 (hg19) VCF-style: chrX-30326958-A-AGCGGTCCCACCAC.
Other names: short protein forms S175fs.
Identifiers: ClinVar variation 1526258 (VCV001526258.1), dbSNP rs2147007005, ClinGen allele CA2573158601.